The following is an entry in ClinVar:

NM_203446.3(SYNJ1):c.1042C>A (p.His348Asn)

Gene: SYNJ1 (synaptojanin 1; minus strand). Cytogenetic location: 21q22.11.
Variant type: single nucleotide variant.
Coding change: c.1042C>A on transcript NM_203446.3 (MANE Select); coding-DNA position 1042, C replaced by A.
Protein change: p.His348Asn; replaces histidine 348 with asparagine.
Molecular consequence: missense variant.
Genome position (GRCh38, 1-based): chr21:32,685,824, G>T on the plus strand (C>A on the coding strand, the complement: SYNJ1 is on the minus strand). VCF-style: chr21-32685824-G-T. GRCh37 (hg19) VCF-style: chr21-34058134-G-T.
Other names: c.1042C>A, p.His348Asn (NM_001160302.2, NM_001160306.2); c.1159C>A, p.His387Asn (NM_003895.4); short protein forms H348N, H387N.
Identifiers: ClinVar variation 956460 (VCV000956460.10), dbSNP rs2041820050, ClinGen allele CA410092580.

ClinVar aggregate classification (germline): Uncertain significance (1 of 4 stars; one submission).

Conditions:
Early-onset Parkinson disease 20. Also called: PARKINSON DISEASE 20, AUTOSOMAL RECESSIVE EARLY-ONSET. Identifiers: Orphanet 391411, MedGen C3809824, MONDO:0014233, OMIM 615530.
Developmental and epileptic encephalopathy, 53. Also called: Epileptic encephalopathy, early infantile, 53. Identifiers: MedGen C4479313, MONDO:0033362, OMIM 617389.

Submission:

Labcorp Genetics (formerly Invitae), Labcorp
Classification: Uncertain significance for Developmental and epileptic encephalopathy, 53; Early-onset Parkinson disease 20. Last evaluated: 2019-10-18. Review status: criteria provided, single submitter. Criteria: Invitae Variant Classification Sherloc (09022015). Collection method: clinical testing. Allele origin: germline.
Comment: In summary, the available evidence is currently insufficient to determine the role of this variant in disease. Therefore, it has been classified as a Variant of Uncertain Significance. This variant is not present in population databases (ExAC no frequency). Algorithms developed to predict the effect of missense changes on protein structure and function (SIFT, PolyPhen-2, Align-GVGD) all suggest that this variant is likely to be tolerated, but these predictions have not been confirmed by published functional studies and their clinical significance is uncertain. This variant has not been reported in the literature in individuals with SYNJ1-related conditions. This sequence change replaces histidine with asparagine at codon 387 of the SYNJ1 protein (p.His387Asn). The histidine residue is moderately conserved and there is a small physicochemical difference between histidine and asparagine.